The following is an entry in ClinVar:

NM_016203.4(PRKAG2):c.141C>T (p.Leu47=)

Gene: PRKAG2 (protein kinase AMP-activated non-catalytic subunit gamma 2; minus strand). Cytogenetic location: 7q36.1.
Variant type: single nucleotide variant.
Coding change: c.141C>T on transcript NM_016203.4 (MANE Select); coding-DNA position 141, C replaced by T.
Protein change: p.Leu47=; no amino-acid change (leucine 47 retained).
Molecular consequence: synonymous variant.
Genome position (GRCh38, 1-based): chr7:151,786,515, G>A on the plus strand (C>T on the coding strand, the complement: PRKAG2 is on the minus strand). VCF-style: chr7-151786515-G-A. GRCh37 (hg19) VCF-style: chr7-151483601-G-A.
Other names: c.9C>T, p.Leu3= (NM_001040633.2); c.141C>T (NM_016203.3).
Identifiers: ClinVar variation 925626 (VCV000925626.6), dbSNP rs1244792476, ClinGen allele CA458672108.

ClinVar aggregate classification (germline): Likely benign. Review status: criteria provided, multiple submitters, no conflicts (2 of 4 stars). 3 submissions from 3 submitters: Likely benign (2). 1 of the submissions does not count toward it. Last evaluated 2023-05-11.

Conditions:
PRKAG2-related disorder. Also called: PRKAG2-related disorders; PRKAG2-related condition.
Cardiomyopathy (CMYO). Also called: Cardiomyopathies. Identifiers: Orphanet 167848, MedGen C0878544, MONDO:0004994, HP:0001638. Inheritance: Various modes of inheritance.
Lethal congenital glycogen storage disease of heart. Also called: GLYCOGEN STORAGE DISEASE OF HEART; PHOSPHORYLASE KINASE DEFICIENCY OF HEART. Identifiers: Orphanet 439854, MedGen C1849813, MONDO:0009867, OMIM 261740.

Allele frequency attached by ClinVar (database versions not stated): TOPMed below 0.00001; gnomAD 0.00001.
gnomAD v4.1: 3 of 1,613,010 alleles (0.00019%); highest among the groups gnomAD compares: Non-Finnish European, 0.00025%; no homozygotes.

Submissions (3):

Labcorp Genetics (formerly Invitae), Labcorp
Classification: Likely benign for Lethal congenital glycogen storage disease of heart. Last evaluated: 2023-05-11. Review status: criteria provided, single submitter. Criteria: Invitae Variant Classification Sherloc (09022015). Collection method: clinical testing. Allele origin: germline.

Color Diagnostics, LLC DBA Color Health
Classification: Likely benign for Cardiomyopathy. Last evaluated: 2018-11-27. Review status: criteria provided, single submitter. Criteria: ACMG Guidelines, 2015. Collection method: clinical testing. Allele origin: germline.

PreventionGenetics, part of Exact Sciences
Classification: Likely benign for PRKAG2-related condition. Last evaluated: 2020-09-30. Review status: no assertion criteria provided. Collection method: clinical testing. Allele origin: germline. Not counted in ClinVar's aggregate classification.
Comment: This variant is classified as likely benign based on ACMG/AMP sequence variant interpretation guidelines (Richards et al. 2015 PMID: 25741868, with internal and published modifications).